The following is an entry in ClinVar:

ClinVar aggregate classification (germline): Uncertain significance (1 of 4 stars; one submission).

Allele frequency attached by ClinVar (database versions not stated): gnomAD 0.00001; TOPMed 0.00001.

Submission:

Labcorp Genetics (formerly Invitae), Labcorp
Classification: Uncertain significance. Last evaluated: 2022-03-19. Review status: criteria provided, single submitter. Criteria: Invitae Variant Classification Sherloc (09022015). Collection method: clinical testing. Allele origin: germline.
Comment: This sequence change replaces glycine, which is neutral and non-polar, with arginine, which is basic and polar, at codon 13 of the CNNM4 protein (p.Gly13Arg). The frequency data for this variant in the population databases is considered unreliable, as metrics indicate insufficient coverage at this position in the gnomAD database. This variant has not been reported in the literature in individuals affected with CNNM4-related conditions. ClinVar contains an entry for this variant (Variation ID: 1008521). Algorithms developed to predict the effect of missense changes on protein structure and function output the following: SIFT: "Tolerated"; PolyPhen-2: "Not Available"; Align-GVGD: "Class C0". The arginine amino acid residue is found in multiple mammalian species, which suggests that this missense change does not adversely affect protein function. Algorithms developed to predict the effect of sequence changes on RNA splicing suggest that this variant may create or strengthen a splice site. In summary, the available evidence is currently insufficient to determine the role of this variant in disease. Therefore, it has been classified as a Variant of Uncertain Significance.

NM_020184.4(CNNM4):c.37G>A (p.Gly13Arg)

Gene: CNNM4 (cyclin and CBS domain divalent metal cation transport mediator 4; plus strand). Cytogenetic location: 2q11.2.
Variant type: single nucleotide variant.
Coding change: c.37G>A on transcript NM_020184.4 (MANE Select); coding-DNA position 37, G replaced by A.
Protein change: p.Gly13Arg; replaces glycine 13 with arginine.
Molecular consequence: missense variant.
Genome position (GRCh38, 1-based): chr2:96,761,036, G>A. VCF-style: chr2-96761036-G-A. GRCh37 (hg19) VCF-style: chr2-97426773-G-A.
Other names: short protein forms G13R.
Identifiers: ClinVar variation 1008521 (VCV001008521.6), dbSNP rs1248480107, ClinGen allele CA347710445.
Genomic context (GRCh38, chr2:96,761,036, plus strand): 5'-CGGCGGCGGCAGAGCCAGAGCAACATGGCGCCGGTGGGCGGGGGCGGGCGCCCGGTCGGC[G>A]GACCGGCCCGCGGGCGCCTCCTCCTGGCGGCGCCGGTGCTGCTGGTGCTGCTGTGGGCGC-3'
Protein context (NP_064569.3, residues 3-23): PVGGGGRPVG[Gly13Arg]PARGRLLLAA